The following is an entry in ClinVar:

ClinVar aggregate classification (germline): Uncertain significance (1 of 4 stars; one submission).

Conditions:
Hypertrophic cardiomyopathy 20. Identifiers: MedGen C3151267, MONDO:0013477, OMIM 613876.
Dilated cardiomyopathy 1CC (CMD1CC). Identifiers: Orphanet 154, MedGen C2751084, MONDO:0013147, OMIM 613122.

Submission:

Labcorp Genetics (formerly Invitae), Labcorp
Classification: Uncertain significance for Dilated cardiomyopathy 1CC; Hypertrophic cardiomyopathy 20. Last evaluated: 2022-06-18. Review status: criteria provided, single submitter. Criteria: Invitae Variant Classification Sherloc (09022015). Collection method: clinical testing. Allele origin: germline.
Comment: In summary, the available evidence is currently insufficient to determine the role of this variant in disease. Therefore, it has been classified as a Variant of Uncertain Significance. Algorithms developed to predict the effect of missense changes on protein structure and function are either unavailable or do not agree on the potential impact of this missense change (SIFT: "Deleterious"; PolyPhen-2: "Probably Damaging"; Align-GVGD: "Class C0"). This variant has not been reported in the literature in individuals affected with NEXN-related conditions. This variant is not present in population databases (gnomAD no frequency). This sequence change replaces leucine, which is neutral and non-polar, with phenylalanine, which is neutral and non-polar, at codon 312 of the NEXN protein (p.Leu312Phe).

NM_144573.4(NEXN):c.934C>T (p.Leu312Phe)

Gene: NEXN (nexilin F-actin binding protein; plus strand). Cytogenetic location: 1p31.1.
Variant type: single nucleotide variant.
Coding change: c.934C>T on transcript NM_144573.4 (MANE Select); coding-DNA position 934, C replaced by T.
Protein change: p.Leu312Phe; replaces leucine 312 with phenylalanine.
Molecular consequence: missense variant.
Genome position (GRCh38, 1-based): chr1:77,929,385, C>T. VCF-style: chr1-77929385-C-T. GRCh37 (hg19) VCF-style: chr1-78395070-C-T.
Other names: c.742C>T, p.Leu248Phe (NM_001172309.2); short protein forms L312F, L248F.
Identifiers: ClinVar variation 1899272 (VCV001899272.5), dbSNP rs2523224025, ClinGen allele CA340875150.
Genomic context (GRCh38, chr1:77,929,385, plus strand): 5'-GATGAGGAAAACCAAGACACAGCAAAAATTTTTAAAGGGTACCGCCCTGGTAAACTCAAA[C>T]TCAGTTTTGAAGAAATGGAAAGGCAAAGAAGAGAAGATGAAAAAAGGAAAGCAGAAGAAG-3'
Protein context (NP_653174.3, residues 302-322): FKGYRPGKLK[Leu312Phe]SFEEMERQRR